The following is an entry in ClinVar:

ClinVar aggregate classification (germline): Pathogenic/Likely pathogenic. Review status: criteria provided, multiple submitters, no conflicts (2 of 4 stars). 2 submissions from 2 submitters: Pathogenic (1); Likely pathogenic (1). Last evaluated 2025-08-02.

Conditions:
Atransferrinemia. Also called: Familial hypotransferrinemia. Identifiers: Orphanet 1195, MedGen C0521802, MONDO:0008846, OMIM 209300, HP:0012239.

Submissions (2):

Myriad Genetics, Inc.
Classification: Pathogenic for Atransferrinemia. Last evaluated: 2025-08-02. Review status: criteria provided, single submitter. Criteria: Myriad Autosomal Dominant, Autosomal Recessive and X-Linked Classification Criteria (2023). Collection method: clinical testing. Allele origin: unknown.
Comment: NM_001063.3(TF):c.1088G>A(W363*) is expected to be pathogenic in the context of atransferrinemia. This variant is predicted to lead to an abnormal or absent protein product due to the creation of a premature termination codon in TF, a gene where loss-of-function variants are known to be pathogenic. Please note: this variant was assessed in the context of healthy population screening.

Fulgent Genetics
Classification: Likely pathogenic for Atransferrinemia. Last evaluated: 2024-01-03. Review status: criteria provided, single submitter. Criteria: ACMG Guidelines, 2015. Collection method: clinical testing. Allele origin: germline.

NM_001063.4(TF):c.1088G>A (p.Trp363Ter)

Gene: TF (transferrin; plus strand). Cytogenetic location: 3q22.1.
Variant type: single nucleotide variant.
Coding change: c.1088G>A on transcript NM_001063.4 (MANE Select); coding-DNA position 1088, G replaced by A.
Protein change: p.Trp363Ter; replaces tryptophan 363 with a stop codon.
Molecular consequence: nonsense.
Genome position (GRCh38, 1-based): chr3:133,759,214, G>A. VCF-style: chr3-133759214-G-A. GRCh37 (hg19) VCF-style: chr3-133478058-G-A.
Other names: c.956G>A, p.Trp319Ter (NM_001354703.2); c.707G>A, p.Trp236Ter (NM_001354704.2); short protein forms W319*, W363*, W236*.
Identifiers: ClinVar variation 3588601 (VCV003588601.2).